The following is an entry in ClinVar:

NM_002609.4(PDGFRB):c.1089C>T (p.Gly363=)

Gene: PDGFRB (platelet derived growth factor receptor beta; minus strand). Cytogenetic location: 5q32.
Variant type: single nucleotide variant.
Coding change: c.1089C>T on transcript NM_002609.4 (MANE Select); coding-DNA position 1089, C replaced by T.
Protein change: p.Gly363=; no amino-acid change (glycine 363 retained).
Molecular consequence: synonymous variant.
Genome position (GRCh38, 1-based): chr5:150,132,788, G>A on the plus strand (C>T on the coding strand, the complement: PDGFRB is on the minus strand). VCF-style: chr5-150132788-G-A. GRCh37 (hg19) VCF-style: chr5-149512351-G-A.
Other names: c.897C>T, p.Gly299= (NM_001355016.2); c.606C>T, p.Gly202= (NM_001355017.2).
Identifiers: ClinVar variation 2059062 (VCV002059062.28), dbSNP rs10075631, ClinGen allele CA3508110.

ClinVar aggregate classification (germline): Benign/Likely benign. Review status: criteria provided, multiple submitters, no conflicts (2 of 4 stars). 2 submissions from 2 submitters: Benign (1); Likely benign (1). Last evaluated 2022-08-31.

Conditions:
Infantile myofibromatosis (IMF). Also called: Congenital generalized fibromatosis. Identifiers: Orphanet 2591, MedGen C0432284, MONDO:0016824.
Skeletal overgrowth-craniofacial dysmorphism-hyperelastic skin-white matter lesions syndrome. Also called: SKELETAL OVERGROWTH WITH FACIAL DYSMORPHISM, HYPERELASTIC SKIN, WHITE MATTER LESIONS, AND NEUROLOGIC DETERIORATION; Kosaki overgrowth syndrome. Identifiers: Orphanet 477831, MedGen C4225270, MONDO:0014704, OMIM 616592.
Acroosteolysis-keloid-like lesions-premature aging syndrome. Also called: Premature aging syndrome, Penttinen type; Prematurely aged appearance, delayed bone maturation, acro-osteolysis, and brachydactyly; Progeroid syndrome, Penttinen type. Identifiers: Orphanet 363665, MedGen C1866182, MONDO:0011150, OMIM 601812.
Basal ganglia calcification, idiopathic, 4 (PFBC4). Also called: Familial Idiopathic Basal Ganglia Calcification 4; PRIMARY FAMILIAL BRAIN CALCIFICATION 4, AUTOSOMAL DOMINANT. Identifiers: Orphanet 1980, MedGen C3554321, MONDO:0014004, OMIM 615007.

Allele frequency attached by ClinVar (database versions not stated): gnomAD 0.00001; gnomAD exomes 0.00002; TOPMed 0.00003; ESP Exome Variant Server 0.00008; ExAC 0.00007.
gnomAD v4.1: 40 of 1,612,896 alleles (0.0025%); highest among the groups gnomAD compares: Middle Eastern, 0.033%; no homozygotes.

Submissions (2):

Labcorp Genetics (formerly Invitae), Labcorp
Classification: Benign for Basal ganglia calcification, idiopathic, 4; Skeletal overgrowth-craniofacial dysmorphism-hyperelastic skin-white matter lesions syndrome; Infantile myofibromatosis; Acroosteolysis-keloid-like lesions-premature aging syndrome. Last evaluated: 2022-08-31. Review status: criteria provided, single submitter. Criteria: Invitae Variant Classification Sherloc (09022015). Collection method: clinical testing. Allele origin: germline.

CeGaT Center for Human Genetics Tuebingen
Classification: Likely benign. Last evaluated: 2022-05-01. Review status: criteria provided, single submitter. Criteria: CeGaT Center For Human Genetics Tuebingen Variant Classification Criteria Version 2. Collection method: clinical testing. Allele origin: germline. Affected: yes. Observed: 1 variant allele.
Comment: PDGFRB: BP4, BP7